The following is an entry in ClinVar:

ClinVar aggregate classification (germline): Uncertain significance (1 of 4 stars; one submission).

Conditions:
HECW2-related neurodevelopmental disorder.

Submission:

Illumina Laboratory Services, Illumina
Classification: Uncertain significance for HECW2-related neurodevelopmental disorder. Last evaluated: 2020-07-30. Review status: criteria provided, single submitter. Criteria: ICSLVariantClassificationCriteria RUGD 01 April 2020. Collection method: clinical testing. Allele origin: unknown.
Comment: The HECW2 c.3551G>C (p.Arg1184Pro) variant is a missense variant. A literature search was performed for the gene, cDNA change, and amino acid change. No publications were found based on this search. This variant is not found in the Genome Aggregation Database in a region of good sequence coverage, so the variant is presumed to be rare. Based on the limited evidence, the p.Arg1184Pro variant is classified as a variant of uncertain significance HECW2-related neurodevelopmental disorder.

NM_001348768.2(HECW2):c.3551G>C (p.Arg1184Pro)

Gene: HECW2 (HECT, C2 and WW domain containing E3 ubiquitin protein ligase 2; minus strand). Cytogenetic location: 2q32.3.
Variant type: single nucleotide variant.
Coding change: c.3551G>C on transcript NM_001348768.2 (MANE Select); coding-DNA position 3551, G replaced by C.
Protein change: p.Arg1184Pro; replaces arginine 1184 with proline.
Molecular consequence: missense variant.
Genome position (GRCh38, 1-based): chr2:196,242,183, C>G on the plus strand (G>C on the coding strand, the complement: HECW2 is on the minus strand). VCF-style: chr2-196242183-C-G. GRCh37 (hg19) VCF-style: chr2-197106907-C-G.
Other names: c.2483G>C, p.Arg828Pro (NM_001304840.3); c.3551G>C, p.Arg1184Pro (NM_020760.4); short protein forms R1184P, R828P.
Identifiers: ClinVar variation 989308 (VCV000989308.4), dbSNP rs779208671, ClinGen allele CA349955420.